The following is an entry in ClinVar:

NM_001165963.4(SCN1A):c.4262G>A (p.Gly1421Glu)

Genes: SCN1A (sodium voltage-gated channel alpha subunit 1; minus strand), LOC102724058 (uncharacterized LOC102724058; plus strand). Cytogenetic location: 2q24.3.
Variant type: single nucleotide variant.
Coding change: c.4262G>A on transcript NM_001165963.4 (MANE Select); coding-DNA position 4262, G replaced by A.
Protein change: p.Gly1421Glu; replaces glycine 1421 with glutamic acid.
Molecular consequence: missense variant. On other transcripts: non-coding transcript variant (1).
Genome position (GRCh38, 1-based): chr2:166,002,494, C>T on the plus strand (G>A on the coding strand, the complement: SCN1A is on the minus strand). VCF-style: chr2-166002494-C-T. GRCh37 (hg19) VCF-style: chr2-166859004-C-T.
Other names: c.4178G>A, p.Gly1393Glu (NM_001165964.3, NM_001353957.2, NM_001353958.2); c.4262G>A, p.Gly1421Glu (NM_001202435.3, NM_001353948.2); c.4229G>A, p.Gly1410Glu (NM_001353949.2, NM_001353950.2, NM_001353951.2 and 2 more transcripts); c.4226G>A, p.Gly1409Glu (NM_001353954.2, NM_001353955.2); c.4175G>A, p.Gly1392Glu (NM_001353960.2); c.1820G>A, p.Gly607Glu (NM_001353961.2); short protein forms G1410E, G1421E, G1393E, G1409E, G1392E, G607E.
Identifiers: ClinVar variation 422403 (VCV000422403.3), dbSNP rs1064795756, ClinGen allele CA16617290.

ClinVar aggregate classification (germline): Conflicting classifications of pathogenicity. Review status: criteria provided, conflicting classifications (1 of 4 stars). 2 submissions from 2 submitters: Likely pathogenic (1); Uncertain significance (1). Last evaluated 2025-07-21.

Conditions:
Generalized epilepsy with febrile seizures plus, type 2 (GEFSP2). Also called: GEFS+, TYPE 2. Identifiers: Orphanet 36387, MedGen C1858673, MONDO:0011461, OMIM 604403.

Submissions (2):

3billion
Classification: Uncertain significance for Generalized epilepsy with febrile seizures plus, type 2. Last evaluated: 2025-07-21. Review status: criteria provided, single submitter. Criteria: ACMG Guidelines, 2015. Collection method: clinical testing. Allele origin: germline. Affected: yes.
Comment: The variant is not observed in the gnomAD v4.1.0 dataset. Predicted Consequence/Location: Missense variant In silico tool predictions suggest damaging effect of the variant on gene or gene product [REVEL: 0.97 (>=0.6, sensitivity 0.68 and specificity 0.92); 3Cnet: 0.99 (> 0.75, sensitivity 0.96 and precision 0.92)]. The same nucleotide change resulting in the same amino acid change has been previously reported to be associated with SCN1A-related disorder (ClinVar ID: VCV000422403). Different missense changes at the same codon (p.Gly1421Arg, p.Gly1421Trp) have been reported to be associated with SCN1A-related disorder (ClinVar ID: VCV002203180 /PMID: 29141279, 31031587, 35074891). However the evidence of pathogenicity is insufficient at this time. Therefore, this variant is classified as VUS according to the recommendation of ACMG/AMP guideline.

GeneDx
Classification: Likely pathogenic. Last evaluated: 2016-10-11. Review status: criteria provided, single submitter. Criteria: GeneDx Variant Classification (06012015). Collection method: clinical testing. Allele origin: germline. Affected: yes.
Comment: The G1421E variant has not been published as a pathogenic variant, nor has it been reported as a benign variant to our knowledge. It was not observed in approximately 6,500 individuals of European and African American ancestry in the NHLBI Exome Sequencing Project, indicating it is not a common benign variant in these populations. The G1421E variant is a non-conservative amino acid substitution, which is likely to impact secondary protein structure as these residues differ in polarity, charge, size, and/or other properties. This substitution alters a conserved position predicted to be within the pore forming loop between the S5 and S6 transmembrane segments of the third homologous domain. Additionally, missense variants in nearby residues (D1416G, V1418G, Y1422C, L1426R) have been reported in the Human Gene Mutation Database in association with SCN1A-related disorders (Stenson et al., 2014), supporting the functional importance of this region of the protein. In silico analysis predicts this variant is probably damaging to the protein structure/function. Therefore, this variant is likely pathogenic; however, the possibility that it is benign cannot be excluded.

Literature cited by the submitters: PubMed 29141279 (cited by 3billion).